The following is an entry in ClinVar:

NM_025114.4(CEP290):c.1097T>C (p.Met366Thr)

Gene: CEP290 (centrosomal protein 290; minus strand). Cytogenetic location: 12q21.32.
Variant type: single nucleotide variant.
Coding change: c.1097T>C on transcript NM_025114.4 (MANE Select); coding-DNA position 1097, T replaced by C.
Protein change: p.Met366Thr; replaces methionine 366 with threonine.
Molecular consequence: missense variant.
Genome position (GRCh38, 1-based): chr12:88,125,338, A>G on the plus strand (T>C on the coding strand, the complement: CEP290 is on the minus strand). VCF-style: chr12-88125338-A-G. GRCh37 (hg19) VCF-style: chr12-88519115-A-G.
Other names: short protein forms M366T.
Identifiers: ClinVar variation 2439906 (VCV002439906.4), dbSNP rs756538253, ClinGen allele CA241154782.

ClinVar aggregate classification (germline): Uncertain significance. Review status: criteria provided, multiple submitters, no conflicts (2 of 4 stars). 2 submissions from 2 submitters: Uncertain significance (2). Last evaluated 2025-03-18.

Conditions:
CEP290-related disorder. Also called: CEP290-related disorders; CEP290-related condition. Identifiers: MedGen CN239314.

gnomAD v4.1: 2 of 1,319,688 alleles (0.00015%); highest among the groups gnomAD compares: Non-Finnish European, 0.0002%; no homozygotes.

Submissions (2):

PreventionGenetics, part of Exact Sciences
Classification: Uncertain significance for CEP290-related condition. Last evaluated: 2025-03-18. Review status: criteria provided, single submitter. Criteria: ACMG Guidelines, 2015. Collection method: clinical testing. Allele origin: germline.
Comment: The CEP290 c.1097T>C variant is predicted to result in the amino acid substitution p.Met366Thr. To our knowledge, this variant has not been reported in the literature or in a large population database (gnomAD), indicating this variant is rare. At this time, the clinical significance of this variant is uncertain due to the absence of conclusive functional and genetic evidence.

Revvity Omics, Revvity
Classification: Uncertain significance. Last evaluated: 2020-04-17. Review status: criteria provided, single submitter. Criteria: ACMG Guidelines, 2015. Collection method: clinical testing. Allele origin: germline.